The following is an entry in ClinVar:

NM_000551.4(VHL):c.113C>T (p.Ser38Phe)

Gene: VHL (von Hippel-Lindau tumor suppressor; plus strand). Cytogenetic location: 3p25.3.
Variant type: single nucleotide variant.
Coding change: c.113C>T on transcript NM_000551.4 (MANE Select); coding-DNA position 113, C replaced by T.
Protein change: p.Ser38Phe; replaces serine 38 with phenylalanine.
Molecular consequence: missense variant.
Genome position (GRCh38, 1-based): chr3:10,141,960, C>T. VCF-style: chr3-10141960-C-T. GRCh37 (hg19) VCF-style: chr3-10183644-C-T.
Other names: c.113C>T, p.Ser38Phe (NM_001354723.2, NM_198156.3); short protein forms S38F.
Identifiers: ClinVar variation 648840 (VCV000648840.13), dbSNP rs867958699, ClinGen allele CA351747838.

ClinVar aggregate classification (germline): Uncertain significance. Review status: criteria provided, multiple submitters, no conflicts (2 of 4 stars). 2 submissions from 2 submitters: Uncertain significance (2). Last evaluated 2025-01-11.

Conditions:
Hereditary cancer-predisposing syndrome. Also called: Hereditary Cancer Syndrome; Tumor predisposition; Neoplastic Syndromes, Hereditary; Hereditary neoplastic syndrome. Identifiers: Orphanet 140162, MedGen C0027672, MeSH D009386, MONDO:0015356.
Chuvash polycythemia. Also called: POLYCYTHEMIA, VHL-DEPENDENT. Identifiers: Orphanet 238557, MedGen C1837915, MONDO:0009892, OMIM 263400.
Von Hippel-Lindau syndrome (VHLS). Also called: Von Hippel-Lindau; VHL syndrome; von Hippel–Lindau syndrome. Identifiers: Orphanet 892, MedGen C0019562, MONDO:0008667, OMIM 193300. Disease mechanism: loss of function.

Allele frequency attached by ClinVar (database versions not stated): gnomAD exomes 0.00001.
gnomAD v4.1: 12 of 1,549,278 alleles (0.00077%); highest among the groups gnomAD compares: Non-Finnish European, 0.001%; no homozygotes.

Submissions (2):

Labcorp Genetics (formerly Invitae), Labcorp
Classification: Uncertain significance for Von Hippel-Lindau syndrome; Chuvash polycythemia. Last evaluated: 2025-01-11. Review status: criteria provided, single submitter. Criteria: Invitae Variant Classification Sherloc (09022015). Collection method: clinical testing. Allele origin: germline.
Comment: This sequence change replaces serine, which is neutral and polar, with phenylalanine, which is neutral and non-polar, at codon 38 of the VHL protein (p.Ser38Phe). This variant is not present in population databases (gnomAD no frequency). This variant has not been reported in the literature in individuals affected with VHL-related conditions. ClinVar contains an entry for this variant (Variation ID: 648840). Invitae Evidence Modeling of protein sequence and biophysical properties (such as structural, functional, and spatial information, amino acid conservation, physicochemical variation, residue mobility, and thermodynamic stability) indicates that this missense variant is not expected to disrupt VHL protein function with a negative predictive value of 95%. In summary, the available evidence is currently insufficient to determine the role of this variant in disease. Therefore, it has been classified as a Variant of Uncertain Significance.

Ambry Genetics
Classification: Uncertain significance for Hereditary cancer-predisposing syndrome. Last evaluated: 2022-05-09. Review status: criteria provided, single submitter. Criteria: Ambry Variant Classification Scheme 2023. Collection method: clinical testing. Allele origin: germline.
Comment: The p.S38F variant (also known as c.113C>T), located in coding exon 1 of the VHL gene, results from a C to T substitution at nucleotide position 113. The serine at codon 38 is replaced by phenylalanine, an amino acid with highly dissimilar properties. This amino acid position is not well conserved in available vertebrate species. In addition, this alteration is predicted to be tolerated by in silico analysis. Since supporting evidence is limited at this time, the clinical significance of this alteration remains unclear.